The following is an entry in ClinVar:

ClinVar aggregate classification (germline): Uncertain significance. Review status: criteria provided, multiple submitters, no conflicts (2 of 4 stars). 2 submissions from 2 submitters: Uncertain significance (2). Last evaluated 2025-10-07.

Conditions:
Inborn genetic diseases. Identifiers: MedGen C0950123, MeSH D030342.
SYN1-related disorder. Also called: SYN1-related condition; SYN1-Related Disorders.

Submissions (2):

Ambry Genetics
Classification: Uncertain significance for Inborn genetic diseases. Last evaluated: 2025-10-07. Review status: criteria provided, single submitter. Criteria: Ambry Variant Classification Scheme 2023. Collection method: clinical testing. Allele origin: germline.
Comment: The c.433_435+7dupCAGGTAAGTT alteration is located in between coding exon 2 and intron 2 of the SYN1 gene. This alteration consists of a duplication of 10 nucleotides between nucleotide positions c.433 and c.435+7 between coding exon 2 and intron 2. Based on data from gnomAD, the CAGGTAAGTTCAGGTAAGTT allele has an overall frequency of 0.001% (2/183355) total alleles studied. The highest observed frequency was 0.014% (2/13858) of East Asian alleles. These nucleotide positions are highly conserved in available vertebrate species. In silico splice site analysis predicts that this alteration will result in the creation or strengthening of a novel splice donor site. Based on insufficient or conflicting evidence, the clinical significance of this alteration remains unclear.

PreventionGenetics, part of Exact Sciences
Classification: Uncertain significance for SYN1-related condition. Last evaluated: 2025-06-20. Review status: criteria provided, single submitter. Criteria: ACMG Guidelines, 2015. Collection method: clinical testing. Allele origin: germline.
Comment: The SYN1 c.433_435+7dup10 variant is predicted to result in an intronic duplication. This variant is predicted to alter splicing, via creation of an alternate downstream donor site, based on available splicing prediction programs (SpliceAI, Jaganathan et al. 2019. PubMed ID: 30661751). However, in silico splicing predictions are not equivalent to functional evidence. To our knowledge, this variant has not been reported in the literature. This variant is reported in 0.014% of alleles in individuals of East Asian descent in gnomAD. At this time, the clinical significance of this variant is uncertain due to the absence of conclusive functional and genetic evidence.

NM_006950.3(SYN1):c.433_435+7dup

Gene: SYN1 (synapsin I; minus strand). Cytogenetic location: Xp11.23.
Variant type: Duplication.
Coding change: c.433_435+7dup on transcript NM_006950.3 (MANE Select); coding-DNA position 433 through 7 bases into the intron after coding-DNA position 435, 10 bases duplicated (CAGGTAAGTT; older notation c.433_435+7dupCAGGTAAGTT).
Molecular consequence: splice donor variant.
Genome position (GRCh38, 1-based): chrX:47,607,134-47,607,143, AACTTACCTG duplicated on the plus strand (CAGGTAAGTT on the coding strand, the reverse complement: SYN1 is on the minus strand). VCF-style (leftmost placement, unchanged base first): chrX-47607133-C-CAACTTACCTG. GRCh37 (hg19) VCF-style: chrX-47466532-C-CAACTTACCTG.
Other names: c.433_435+7dupCAGGTAAGTT (NM_133499.2); c.433_435+7dup (NM_133499.2); c.433_435+7dup10 (NM_006950.3).
Identifiers: ClinVar variation 4632496 (VCV004632496.2).